The following is an entry in ClinVar:

ClinVar aggregate classification (germline): Likely benign (1 of 4 stars; one submission).

Conditions:
BBS4-related disorder. Also called: BBS4-related condition.

Submission:

PreventionGenetics, part of Exact Sciences
Classification: Likely benign for BBS4-related condition. Last evaluated: 2025-02-19. Review status: criteria provided, single submitter. Criteria: ACMG Guidelines, 2015. Collection method: clinical testing. Allele origin: germline.
Comment: This variant is classified as likely benign based on ACMG/AMP sequence variant interpretation guidelines (Richards et al. 2015 PMID: 25741868, with internal and published modifications).

NM_033028.5(BBS4):c.1305C>A (p.Val435=)

Gene: BBS4 (Bardet-Biedl syndrome 4; plus strand). Cytogenetic location: 15q24.1.
Variant type: single nucleotide variant.
Coding change: c.1305C>A on transcript NM_033028.5 (MANE Select); coding-DNA position 1305, C replaced by A.
Protein change: p.Val435=; no amino-acid change (valine 435 retained).
Molecular consequence: synonymous variant. On other transcripts: non-coding transcript variant (2).
Genome position (GRCh38, 1-based): chr15:72,736,818, C>A. VCF-style: chr15-72736818-C-A. GRCh37 (hg19) VCF-style: chr15-73029159-C-A.
Other names: c.789C>A, p.Val263= (NM_001252678.2); c.1236C>A, p.Val412= (NM_001320665.2).
Identifiers: ClinVar variation 4999317 (VCV004999317.1).